The following is an entry in ClinVar:

ClinVar aggregate classification (germline): Uncertain significance. Review status: criteria provided, multiple submitters, no conflicts (2 of 4 stars). 2 submissions from 2 submitters: Uncertain significance (2). Last evaluated 2022-08-22.

Conditions:
Immunodeficiency, common variable, 7. Identifiers: Orphanet 1572, Orphanet 696894, MedGen C3542922, MONDO:0013862, OMIM 614699.
Inborn genetic diseases. Identifiers: MedGen C0950123, MeSH D030342.

Allele frequency attached by ClinVar (database versions not stated): ExAC 0.00007; gnomAD exomes 0.00008 and 0.00006; 1000 Genomes Project 30x 0.00016; gnomAD 0.00007 and 0.00008; ESP Exome Variant Server 0.00008; TOPMed 0.00005; 1000 Genomes Project 0.00020.
gnomAD v4.1: 125 of 1,614,008 alleles (0.0077%); highest among the groups gnomAD compares: East Asian, 0.14%; no homozygotes.

Submissions (2):

Labcorp Genetics (formerly Invitae), Labcorp
Classification: Uncertain significance for Immunodeficiency, common variable, 7. Last evaluated: 2022-08-22. Review status: criteria provided, single submitter. Criteria: Invitae Variant Classification Sherloc (09022015). Collection method: clinical testing. Allele origin: germline.
Comment: This sequence change replaces serine, which is neutral and polar, with leucine, which is neutral and non-polar, at codon 200 of the CR2 protein (p.Ser200Leu). This variant is present in population databases (rs142206860, gnomAD 0.05%). This variant has not been reported in the literature in individuals affected with CR2-related conditions. ClinVar contains an entry for this variant (Variation ID: 658089). Algorithms developed to predict the effect of missense changes on protein structure and function (SIFT, PolyPhen-2, Align-GVGD) all suggest that this variant is likely to be tolerated. Algorithms developed to predict the effect of sequence changes on RNA splicing suggest that this variant may disrupt the consensus splice site. In summary, the available evidence is currently insufficient to determine the role of this variant in disease. Therefore, it has been classified as a Variant of Uncertain Significance.

Ambry Genetics
Classification: Uncertain significance for Inborn genetic diseases. Last evaluated: 2022-01-04. Review status: criteria provided, single submitter. Criteria: Ambry Variant Classification Scheme 2023. Collection method: clinical testing. Allele origin: germline.

NM_001006658.3(CR2):c.599C>T (p.Ser200Leu)

Gene: CR2 (complement C3d receptor 2; plus strand). Cytogenetic location: 1q32.2.
Variant type: single nucleotide variant.
Coding change: c.599C>T on transcript NM_001006658.3 (MANE Select); coding-DNA position 599, C replaced by T.
Protein change: p.Ser200Leu; replaces serine 200 with leucine.
Molecular consequence: missense variant.
Genome position (GRCh38, 1-based): chr1:207,468,680, C>T. VCF-style: chr1-207468680-C-T. GRCh37 (hg19) VCF-style: chr1-207642025-C-T.
Other names: c.599C>T, p.Ser200Leu (NM_001877.5); short protein forms S200L.
Identifiers: ClinVar variation 658089 (VCV000658089.9), dbSNP rs142206860, ClinGen allele CA1368466.